The following is an entry in ClinVar:

ClinVar aggregate classification (germline): Uncertain significance (1 of 4 stars; one submission).

gnomAD v4.1: 12 of 1,614,186 alleles (0.00074%); highest among the groups gnomAD compares: Non-Finnish European, 0.001%; no homozygotes.

Submission:

Women's Health and Genetics/Laboratory Corporation of America, LabCorp
Classification: Uncertain significance. Last evaluated: 2024-05-20. Review status: criteria provided, single submitter. Criteria: LabCorp Variant Classification Summary - May 2015. Collection method: clinical testing. Allele origin: germline.
Comment: Variant summary: VWF c.6772A>G (p.Ile2258Val) results in a conservative amino acid change located in the VWFC domain (IPR001007) of the encoded protein sequence. Four of four in-silico tools predict a benign effect of the variant on protein function. The variant allele was found at a frequency of 4e-06 in 251434 control chromosomes. The available data on variant occurrences in the general population are insufficient to allow any conclusion about variant significance. To our knowledge, no occurrence of c.6772A>G in individuals affected with Von Willebrand Disease and no experimental evidence demonstrating its impact on protein function have been reported. No submitters have cited clinical-significance assessments for this variant to ClinVar. Based on the evidence outlined above, the variant was classified as uncertain significance.

NM_000552.5(VWF):c.6772A>G (p.Ile2258Val)

Gene: VWF (von Willebrand factor; minus strand). Cytogenetic location: 12p13.31.
Variant type: single nucleotide variant.
Coding change: c.6772A>G on transcript NM_000552.5 (MANE Select); coding-DNA position 6772, A replaced by G.
Protein change: p.Ile2258Val; replaces isoleucine 2258 with valine.
Molecular consequence: missense variant.
Genome position (GRCh38, 1-based): chr12:5,991,845, T>C on the plus strand (A>G on the coding strand, the complement: VWF is on the minus strand). VCF-style: chr12-5991845-T-C. GRCh37 (hg19) VCF-style: chr12-6101011-T-C.
Other names: short protein forms I2258V.
Identifiers: ClinVar variation 3336490 (VCV003336490.1).